The following is an entry in ClinVar:

ClinVar aggregate classification (germline): Uncertain significance (1 of 4 stars; one submission).

gnomAD v4.1: 3 of 1,515,678 alleles (0.0002%); highest among the groups gnomAD compares: Admixed American, 0.0023%; no homozygotes.

Submission:

Ambry Genetics
Classification: Uncertain significance. Last evaluated: 2024-12-15. Review status: criteria provided, single submitter. Criteria: Ambry Variant Classification Scheme 2023. Collection method: clinical testing. Allele origin: germline.
Comment: The p.A808V variant (also known as c.2423C>T), located in coding exon 6 of the CDK12 gene, results from a C to T substitution at nucleotide position 2423. The alanine at codon 808 is replaced by valine, an amino acid with similar properties. This amino acid position is conserved. In addition, the in silico prediction for this alteration is inconclusive. Based on the available evidence, the clinical significance of this variant remains unclear.

NM_016507.4(CDK12):c.2423C>T (p.Ala808Val)

Gene: CDK12 (cyclin dependent kinase 12; plus strand). Cytogenetic location: 17q12.
Variant type: single nucleotide variant.
Coding change: c.2423C>T on transcript NM_016507.4 (MANE Select); coding-DNA position 2423, C replaced by T.
Protein change: p.Ala808Val; replaces alanine 808 with valine.
Molecular consequence: missense variant.
Genome position (GRCh38, 1-based): chr17:39,501,253, C>T. VCF-style: chr17-39501253-C-T. GRCh37 (hg19) VCF-style: chr17-37657506-C-T.
Other names: c.2423C>T, p.Ala808Val (NM_015083.4); short protein forms A808V.
Identifiers: ClinVar variation 3830349 (VCV003830349.1).